The following is an entry in ClinVar:

ClinVar aggregate classification (germline): Uncertain significance (1 of 4 stars; one submission).

Conditions:
Hereditary spastic paraplegia 48. Also called: SPASTIC PARAPLEGIA 48, AUTOSOMAL RECESSIVE; Spastic paraplegia 48. Identifiers: Orphanet 306511, MedGen C3150901, MONDO:0013342, OMIM 613647.

Allele frequency attached by ClinVar (database versions not stated): TOPMed below 0.00001.

Submission:

Labcorp Genetics (formerly Invitae), Labcorp
Classification: Uncertain significance for Hereditary spastic paraplegia 48. Last evaluated: 2024-02-16. Review status: criteria provided, single submitter. Criteria: Invitae Variant Classification Sherloc (09022015). Collection method: clinical testing. Allele origin: germline.
Comment: This sequence change replaces aspartic acid, which is acidic and polar, with glutamic acid, which is acidic and polar, at codon 714 of the AP5Z1 protein (p.Asp714Glu). This variant is not present in population databases (gnomAD no frequency). This variant has not been reported in the literature in individuals affected with AP5Z1-related conditions. ClinVar contains an entry for this variant (Variation ID: 1489711). Advanced modeling of protein sequence and biophysical properties (such as structural, functional, and spatial information, amino acid conservation, physicochemical variation, residue mobility, and thermodynamic stability) performed at Invitae indicates that this missense variant is not expected to disrupt AP5Z1 protein function with a negative predictive value of 80%. In summary, the available evidence is currently insufficient to determine the role of this variant in disease. Therefore, it has been classified as a Variant of Uncertain Significance.

NM_014855.3(AP5Z1):c.2142T>G (p.Asp714Glu)

Gene: AP5Z1 (adaptor related protein complex 5 subunit zeta 1; plus strand). Cytogenetic location: 7p22.1.
Variant type: single nucleotide variant.
Coding change: c.2142T>G on transcript NM_014855.3 (MANE Select); coding-DNA position 2142, T replaced by G.
Protein change: p.Asp714Glu; replaces aspartic acid 714 with glutamic acid.
Molecular consequence: missense variant. On other transcripts: non-coding transcript variant (1).
Genome position (GRCh38, 1-based): chr7:4,790,876, T>G. VCF-style: chr7-4790876-T-G. GRCh37 (hg19) VCF-style: chr7-4830507-T-G.
Other names: c.1674T>G, p.Asp558Glu (NM_001364858.1); short protein forms D558E, D714E.
Identifiers: ClinVar variation 1489711 (VCV001489711.8), dbSNP rs1781744978, ClinGen allele CA366665163.